The following is an entry in ClinVar:

ClinVar aggregate classification (germline): Likely benign. Review status: criteria provided, multiple submitters, no conflicts (2 of 4 stars). 3 submissions from 3 submitters: Likely benign (3). Last evaluated 2026-05-24.

Conditions:
Cardiovascular phenotype. Identifiers: MedGen CN230736.
Cardiomyopathy (CMYO). Also called: Cardiomyopathies. Identifiers: Orphanet 167848, MedGen C0878544, MONDO:0004994, HP:0001638. Inheritance: Various modes of inheritance.
Hypertrophic cardiomyopathy. Also called: HYPERTROPHIC MYOCARDIOPATHY. Identifiers: Orphanet 217569, MedGen C0007194, MeSH D002312, MONDO:0005045, HP:0001639.

Submissions (3):

Ambry Genetics
Classification: Likely benign for Cardiovascular phenotype. Last evaluated: 2026-05-24. Review status: criteria provided, single submitter. Criteria: Ambry Variant Classification Scheme 2023. Collection method: clinical testing. Allele origin: germline.

All of Us Research Program, National Institutes of Health
Classification: Likely benign for Hypertrophic cardiomyopathy. Last evaluated: 2023-06-26. Review status: criteria provided, single submitter. Criteria: ACMG Guidelines, 2015. Collection method: clinical testing. Allele origin: germline. Inheritance: Autosomal dominant inheritance. Observed: 1 variant allele, 1 heterozygote.
Comment: This study involves interpretation of variants in research participants for the purpose of population health screening. Participant phenotype was not available at the time of variant classification. Additional details can be found in publication PMID: 35346344, PMCID: PMC8962531

Color Diagnostics, LLC DBA Color Health
Classification: Likely benign for Cardiomyopathy. Last evaluated: 2018-12-10. Review status: criteria provided, single submitter. Criteria: ACMG Guidelines, 2015. Collection method: clinical testing. Allele origin: germline.

NM_016203.4(PRKAG2):c.252G>A (p.Arg84=)

Gene: PRKAG2 (protein kinase AMP-activated non-catalytic subunit gamma 2; minus strand). Cytogenetic location: 7q36.1.
Variant type: single nucleotide variant.
Coding change: c.252G>A on transcript NM_016203.4 (MANE Select); coding-DNA position 252, G replaced by A.
Protein change: p.Arg84=; no amino-acid change (arginine 84 retained).
Molecular consequence: synonymous variant.
Genome position (GRCh38, 1-based): chr7:151,781,366, C>T on the plus strand (G>A on the coding strand, the complement: PRKAG2 is on the minus strand). VCF-style: chr7-151781366-C-T. GRCh37 (hg19) VCF-style: chr7-151478452-C-T.
Other names: c.252G>A (NM_016203.3); c.120G>A, p.Arg40= (NM_001040633.2).
Identifiers: ClinVar variation 928177 (VCV000928177.4), dbSNP rs2076658352, ClinGen allele CA458884020.